The following is an entry in ClinVar:

NM_004991.4(MECOM):c.1501C>A (p.His501Asn)

Gene: MECOM (MDS1 and EVI1 complex locus; minus strand). Cytogenetic location: 3q26.2.
Variant type: single nucleotide variant.
Coding change: c.1501C>A on transcript NM_004991.4 (MANE Select); coding-DNA position 1501, C replaced by A.
Protein change: p.His501Asn; replaces histidine 501 with asparagine.
Molecular consequence: missense variant. On other transcripts: intron variant (2).
Genome position (GRCh38, 1-based): chr3:169,116,371, G>T on the plus strand (C>A on the coding strand, the complement: MECOM is on the minus strand). VCF-style: chr3-169116371-G-T. GRCh37 (hg19) VCF-style: chr3-168834159-G-T.
Other names: c.1132C>A, p.His378Asn (NM_001105077.4); c.937C>A, p.His313Asn (NM_001105078.4, NM_001164000.2, NM_001205194.2 and 4 more transcripts); c.940C>A, p.His314Asn (NM_001163999.2, NM_001366467.2, NM_001366468.2 and 1 more transcripts); c.1501C>A, p.His501Asn (NM_001366466.2); c.1133-604C>A (NM_001366473.2); c.569-604C>A (NM_001366474.2); short protein forms H378N, H313N, H314N, H501N.
Identifiers: ClinVar variation 4624592 (VCV004624592.1).

ClinVar aggregate classification (germline): Uncertain significance (1 of 4 stars; one submission).

Conditions:
Inborn genetic diseases. Identifiers: MedGen C0950123, MeSH D030342.

Submission:

Ambry Genetics
Classification: Uncertain significance for Inborn genetic diseases. Last evaluated: 2025-09-20. Review status: criteria provided, single submitter. Criteria: Ambry Variant Classification Scheme 2023. Collection method: clinical testing. Allele origin: germline.
Comment: The p.H501N variant (also known as c.1501C>A), located in coding exon 8 of the MECOM gene, results from a C to A substitution at nucleotide position 1501. The histidine at codon 501 is replaced by asparagine, an amino acid with similar properties. This amino acid position is conserved. In addition, this alteration is predicted to be tolerated by in silico analysis. Based on the available evidence, the clinical significance of this variant remains unclear.